The following is an entry in ClinVar:

ClinVar aggregate classification (germline): Uncertain significance (1 of 4 stars; one submission).

Conditions:
Hereditary cancer-predisposing syndrome. Also called: Hereditary Cancer Syndrome; Tumor predisposition; Hereditary neoplastic syndrome; Neoplastic Syndromes, Hereditary. Identifiers: Orphanet 140162, MedGen C0027672, MeSH D009386, MONDO:0015356.
Cardiovascular phenotype. Identifiers: MedGen CN230736.

Submission:

Ambry Genetics
Classification: Uncertain significance for Cardiovascular phenotype; Hereditary cancer-predisposing syndrome. Last evaluated: 2024-11-09. Review status: criteria provided, single submitter. Criteria: Ambry Variant Classification Scheme 2023. Collection method: clinical testing. Allele origin: germline.
Comment: The p.F343L variant (also known as c.1027T>C), located in coding exon 9 of the NF1 gene, results from a T to C substitution at nucleotide position 1027. The phenylalanine at codon 343 is replaced by leucine, an amino acid with highly similar properties. This amino acid position is highly conserved in available vertebrate species. In addition, the in silico prediction for this alteration is inconclusive. Based on the available evidence, the clinical significance of this variant remains unclear.

NM_001042492.3(NF1):c.1027T>C (p.Phe343Leu)

Gene: NF1 (neurofibromin 1; plus strand). Cytogenetic location: 17q11.2.
Variant type: single nucleotide variant.
Coding change: c.1027T>C on transcript NM_001042492.3 (MANE Select); coding-DNA position 1027, T replaced by C.
Protein change: p.Phe343Leu; replaces phenylalanine 343 with leucine.
Molecular consequence: missense variant.
Genome position (GRCh38, 1-based): chr17:31,200,560, T>C. VCF-style: chr17-31200560-T-C. GRCh37 (hg19) VCF-style: chr17-29527578-T-C.
Other names: c.1027T>C, p.Phe343Leu (NM_000267.4, NM_001128147.3); short protein forms F343L.
Identifiers: ClinVar variation 3404868 (VCV003404868.1).